The following is an entry in ClinVar:

ClinVar aggregate classification (germline): Conflicting classifications of pathogenicity. Review status: criteria provided, conflicting classifications (1 of 4 stars). 6 submissions from 6 submitters: Uncertain significance (5); Likely benign (1). Last evaluated 2026-01-12.

Conditions:
Neurodevelopmental disorder with seizures and nonepileptic hyperkinetic movements. Identifiers: MedGen C5193128, MONDO:0032784, OMIM 618497.

Allele frequency attached by ClinVar (database versions not stated): gnomAD exomes 0.00006; ESP Exome Variant Server 0.00008; ExAC 0.00014; 1000 Genomes Project 30x 0.00016; 1000 Genomes Project 0.00020; TOPMed 0.00027; gnomAD 0.00029.
gnomAD v4.1: 146 of 1,613,916 alleles (0.009%); highest among the groups gnomAD compares: Middle Eastern, 0.066%; no homozygotes.

Submissions (6):

Labcorp Genetics (formerly Invitae), Labcorp
Classification: Likely benign. Last evaluated: 2026-01-12. Review status: criteria provided, single submitter. Criteria: Invitae Variant Classification Sherloc (09022015). Collection method: clinical testing. Allele origin: germline.

GeneDx
Classification: Uncertain significance. Last evaluated: 2025-12-01. Review status: criteria provided, single submitter. Criteria: GeneDx Variant Classification Process June 2021. Collection method: clinical testing. Allele origin: germline. Affected: yes.
Comment: In silico analysis supports that this missense variant has a deleterious effect on protein structure/function; Has not been previously published as pathogenic or benign to our knowledge

Ambry Genetics
Classification: Uncertain significance. Last evaluated: 2025-08-04. Review status: criteria provided, single submitter. Criteria: Ambry Variant Classification Scheme 2023. Collection method: clinical testing. Allele origin: germline.

Blueprint Genetics
Classification: Uncertain significance. Last evaluated: 2024-11-13. Review status: criteria provided, single submitter. Criteria: ACMG Guidelines, 2015. Collection method: clinical testing. Allele origin: germline.

CeGaT Center for Human Genetics Tuebingen
Classification: Uncertain significance. Last evaluated: 2024-10-01. Review status: criteria provided, single submitter. Criteria: CeGaT Center For Human Genetics Tuebingen Variant Classification Criteria Version 2. Collection method: clinical testing. Allele origin: germline. Affected: yes. Observed: 1 variant allele.
Comment: CACNA1B: PM2:Supporting

Revvity Omics, Revvity
Classification: Uncertain significance for Neurodevelopmental disorder with seizures and nonepileptic hyperkinetic movements. Last evaluated: 2020-12-03. Review status: criteria provided, single submitter. Criteria: ACMG Guidelines, 2015. Collection method: clinical testing. Allele origin: germline.

NM_000718.4(CACNA1B):c.4373A>C (p.Gln1458Pro)

Gene: CACNA1B (calcium voltage-gated channel subunit alpha1 B; plus strand). Cytogenetic location: 9q34.3.
Variant type: single nucleotide variant.
Coding change: c.4373A>C on transcript NM_000718.4 (MANE Select); coding-DNA position 4373, A replaced by C.
Protein change: p.Gln1458Pro; replaces glutamine 1458 with proline.
Molecular consequence: missense variant.
Genome position (GRCh38, 1-based): chr9:138,058,633, A>C. VCF-style: chr9-138058633-A-C. GRCh37 (hg19) VCF-style: chr9-140953085-A-C.
Other names: c.4373A>C (NM_000718.3); c.4373A>C, p.Gln1458Pro (NM_001243812.2); short protein forms Q1458P.
Identifiers: ClinVar variation 2080935 (VCV002080935.25), dbSNP rs200021661, ClinGen allele CA5376972.